The following is an entry in ClinVar:

ClinVar aggregate classification (germline): Pathogenic (0 of 4 stars; one submission).

Conditions:
Pulmonary hypertension, primary, 1 (PPH1). Also called: Pulmonary hypertension, familial primary, 1, with or without HHT. Identifiers: Orphanet 422, MedGen C4552070, MONDO:0024533, OMIM 178600.

Submission:

Rare Disease Genomics Group, St George's University of London
Classification: Pathogenic for Primary pulmonary hypertension. Review status: no assertion criteria provided. Collection method: literature only. Allele origin: germline. Affected: yes.
Comment: Deletion of exons 1-3

Literature cited by the submitters: PubMed 20534176; PubMed 23675998.

NM_001204.6(BMPR2):c.(?_-1)_(418+1_419-1)del

Genes: BMPR2 (bone morphogenetic protein receptor type 2; plus strand), LOC129935435 (ATAC-STARR-seq lymphoblastoid active region 17001; plus strand). Cytogenetic location: 2q33.1-33.2.
Variant type: Deletion.
Coding change: c.(?_-1)_(418+1_419-1)del on transcript NM_001204.6; a large deletion whose breakpoints are not mapped to the base.
Other names: c.1-?_418+?del (NM_001204.6); c.(?_-1)_(418+1_419-1)del (LRG_712t1).
Identifiers: ClinVar variation 425672 (VCV000425672.1).